The following is an entry in ClinVar:

ClinVar aggregate classification (germline): Uncertain significance (1 of 4 stars; one submission).

Conditions:
Arrhythmogenic cardiomyopathy with wooly hair and keratoderma. Also called: Dilated cardiomyopathy with woolly hair and keratoderma; Carvajal syndrome; Arrhythmogenic cardiomyopathy with woolly hair and keratoderma; PALMOPLANTAR KERATODERMA WITH LEFT VENTRICULAR CARDIOMYOPATHY AND WOOLLY HAIR. Identifiers: Orphanet 65282, MedGen C1854063, MONDO:0011581, OMIM 605676.
Arrhythmogenic right ventricular dysplasia 8 (ARVD8). Also called: Arrhythmogenic Right Ventricular Dysplasia/Cardiomyopathy 8; ARRHYTHMOGENIC RIGHT VENTRICULAR DYSPLASIA, FAMILIAL, 8; ARRHYTHMOGENIC RIGHT VENTRICULAR CARDIOMYOPATHY 8. Identifiers: MedGen C1843896, MONDO:0011831, OMIM 607450.

Submission:

Labcorp Genetics (formerly Invitae), Labcorp
Classification: Uncertain significance for Arrhythmogenic cardiomyopathy with wooly hair and keratoderma; Arrhythmogenic right ventricular dysplasia 8. Last evaluated: 2022-09-03. Review status: criteria provided, single submitter. Criteria: Invitae Variant Classification Sherloc (09022015). Collection method: clinical testing. Allele origin: germline.
Comment: In summary, the available evidence is currently insufficient to determine the role of this variant in disease. Therefore, it has been classified as a Variant of Uncertain Significance. Variants that disrupt the consensus splice site are a relatively common cause of aberrant splicing (PMID: 17576681, 9536098). Algorithms developed to predict the effect of sequence changes on RNA splicing suggest that this variant may create or strengthen a splice site. This variant has not been reported in the literature in individuals affected with DSP-related conditions. This variant is not present in population databases (gnomAD no frequency). This sequence change falls in intron 1 of the DSP gene. It does not directly change the encoded amino acid sequence of the DSP protein. It affects a nucleotide within the consensus splice site.

Literature cited by the submitters: PubMed 17576681; PubMed 9536098.

NM_004415.4(DSP):c.170+5dup

Genes: DSP (desmoplakin; plus strand), DSP-AS1 (DSP antisense RNA 1; minus strand). Cytogenetic location: 6p24.3.
Variant type: Duplication.
Coding change: c.170+5dup on transcript NM_004415.4 (MANE Select); 5 bases into the intron after coding-DNA position 170, one base duplicated (G; older notation c.170+5dupG).
Molecular consequence: intron variant.
Genome position (GRCh38, 1-based): chr6:7,542,090, G duplicated; the last of 3 consecutive G bases (chr6:7,542,088-7,542,090); duplicating any one gives the same sequence. VCF-style (leftmost placement, unchanged base first): chr6-7542087-T-TG. GRCh37 (hg19) VCF-style: chr6-7542320-T-TG.
Other names: c.170+5dup (NM_001319034.2, NM_001008844.3).
Identifiers: ClinVar variation 2028839 (VCV002028839.4), dbSNP rs1554104240, ClinGen allele CA2580075358.